The following is an entry in ClinVar:

ClinVar aggregate classification (germline): Likely pathogenic (1 of 4 stars; one submission).

Conditions:
Intellectual disability-severe speech delay-mild dysmorphism syndrome (IDDLA). Also called: Mental retardation with language impairment and autistic features; Intellectual developmental disorder with language impairment AND with or without autistic features; FOXP1 Syndrome. Identifiers: Orphanet 391372, MedGen C4013764, MONDO:0013352, OMIM 613670.

Submission:

Neuberg Centre For Genomic Medicine, NCGM
Classification: Likely pathogenic for Intellectual disability-severe speech delay-mild dysmorphism syndrome. Review status: criteria provided, single submitter. Criteria: ACMG Guidelines, 2015. Collection method: clinical testing. Allele origin: germline. Inheritance: Autosomal dominant inheritance. Affected: yes.
Comment: This sequence change creates a premature translational stop signal (p.Ser396Ter) in the FOXP1 gene. Loss of function is a known mechanism of disease action for this gene. For these reasons, this variant has been classified as Likely pathogenic.

NM_001349338.3(FOXP1):c.1187C>A (p.Ser396Ter)

Gene: FOXP1 (forkhead box P1; minus strand). Cytogenetic location: 3p13.
Variant type: single nucleotide variant.
Coding change: c.1187C>A on transcript NM_001349338.3 (MANE Select); coding-DNA position 1187, C replaced by A.
Protein change: p.Ser396Ter; replaces serine 396 with a stop codon.
Molecular consequence: nonsense. On other transcripts: non-coding transcript variant (2).
Genome position (GRCh38, 1-based): chr3:70,977,989, G>T on the plus strand (C>A on the coding strand, the complement: FOXP1 is on the minus strand). VCF-style: chr3-70977989-G-T. GRCh37 (hg19) VCF-style: chr3-71027140-G-T.
Other names: c.1187C>A, p.Ser396Ter (NM_001349340.3, NM_032682.6, NM_001244808.3 and 3 more transcripts); c.1184C>A, p.Ser395Ter (NM_001349341.3); c.887C>A, p.Ser296Ter (NM_001349342.3, NM_001370548.1, NM_001244813.3 and 1 more transcripts); c.884C>A, p.Ser295Ter (NM_001349343.3, NM_001349344.3, NM_001349337.2); c.959C>A, p.Ser320Ter (NM_001244812.3); short protein forms S295*, S296*, S320*, S395*, S396*.
Identifiers: ClinVar variation 4086121 (VCV004086121.1).
Genomic context (GRCh38, chr3:70,977,989, plus strand): 5'-GGAGTCAGGGGGGCGGTTGGGGTCGTTGGAGTATGAGGTAAGCTCTGTGGAGAAGCCTCC[G>T]ATGCGGACTTGGAGAGAGTGACACTTGATACCAGATTCAACTGCAAGGAAAAAAACAACG-3'